The following is an entry in ClinVar:

NM_032447.5(FBN3):c.4463G>A (p.Arg1488Gln)

Gene: FBN3 (fibrillin 3; minus strand). Cytogenetic location: 19p13.2.
Variant type: single nucleotide variant.
Coding change: c.4463G>A on transcript NM_032447.5 (MANE Select); coding-DNA position 4463, G replaced by A.
Protein change: p.Arg1488Gln; replaces arginine 1488 with glutamine.
Molecular consequence: missense variant.
Genome position (GRCh38, 1-based): chr19:8,109,382, C>T on the plus strand (G>A on the coding strand, the complement: FBN3 is on the minus strand). VCF-style: chr19-8109382-C-T. GRCh37 (hg19) VCF-style: chr19-8174266-C-T.
Other names: c.4463G>A, p.Arg1488Gln (NM_001321431.2); c.4463G>A (NM_001321431.1, NM_032447.3); short protein forms R1488Q.
Identifiers: ClinVar variation 731140 (VCV000731140.13), dbSNP rs35442268, ClinGen allele CA9152030.
Genomic context (GRCh38, chr19:8,109,382, plus strand): 5'-GCACTGCAGGAAATGCCACTGTCCCCTCGGTCATGCGTCTCCAGGAAACAGTTCCCGGCC[C>T]GAGTGTCTGAACAGGCAGAAGGGGATGGTTAGTAGGTGTCAGAGGGAAAGCTGTATGTGT-3'
Protein context (NP_115823.3, residues 1478-1498): NPSGVGCVDT[Arg1488Gln]AGNCFLETHD

ClinVar aggregate classification (germline): Conflicting classifications of pathogenicity. Review status: criteria provided, conflicting classifications (1 of 4 stars). 4 submissions from 4 submitters: Uncertain significance (1); Likely benign (2). 1 of the submissions does not count toward it. Last evaluated 2025-11-21.

Conditions:
FBN3-related disorder. Also called: FBN3-related condition.

Allele frequency attached by ClinVar (database versions not stated): TOPMed 0.00272; ESP Exome Variant Server 0.00308; gnomAD exomes 0.00051; ExAC 0.00064; 1000 Genomes Project 0.00180; 1000 Genomes Project 30x 0.00219; gnomAD 0.00238 and 0.00260.
gnomAD v4.1: 664 of 1,614,064 alleles (0.041%); highest among the groups gnomAD compares: African/African-American, 0.75%; 6 homozygotes.

Submissions (4):

Labcorp Genetics (formerly Invitae), Labcorp
Classification: Likely benign. Last evaluated: 2025-11-21. Review status: criteria provided, single submitter. Criteria: Invitae Variant Classification Sherloc (09022015). Collection method: clinical testing. Allele origin: germline.

Ambry Genetics
Classification: Uncertain significance. Last evaluated: 2025-08-21. Review status: criteria provided, single submitter. Criteria: Ambry Variant Classification Scheme 2023. Collection method: clinical testing. Allele origin: germline.

Breakthrough Genomics
Classification: Likely benign. Review status: criteria provided, single submitter. Criteria: ACMG Guidelines, 2015. Collection method: not provided. Allele origin: germline. Inheritance: Unknown mechanism. Affected: yes.

PreventionGenetics, part of Exact Sciences
Classification: Benign for FBN3-related condition. Last evaluated: 2019-09-25. Review status: no assertion criteria provided. Collection method: clinical testing. Allele origin: germline. Not counted in ClinVar's aggregate classification.
Comment: This variant is classified as benign based on ACMG/AMP sequence variant interpretation guidelines (Richards et al. 2015 PMID: 25741868, with internal and published modifications).